The following is an entry in ClinVar:

ClinVar aggregate classification (germline): Benign/Likely benign. Review status: criteria provided, multiple submitters, no conflicts (2 of 4 stars). 7 submissions from 7 submitters: Benign (6); Likely benign (1). Last evaluated 2026-02-01.

Conditions:
Charcot-Marie-Tooth disease. Also called: Charcot-Marie-Tooth Neuropathy; Charcot-Marie-Tooth Hereditary Neuropathy. Identifiers: Orphanet 166, MedGen C0007959, MONDO:0015626.
Hereditary sensory and autonomic neuropathy type 1 (HSAN1). Also called: Hereditary Sensory Neuropathy Type I; HSAN 1; HSN Type I. Identifiers: Orphanet 36386, MedGen C0020071, MONDO:0018213.

Allele frequency attached by ClinVar (database versions not stated): gnomAD exomes 0.00153 and 0.00380; ExAC 0.00456; gnomAD 0.01454 and 0.01359; ESP Exome Variant Server 0.01545; 1000 Genomes Project 0.01558; TOPMed 0.01588; 1000 Genomes Project 30x 0.01608.
gnomAD v4.1: 4,423 of 1,612,444 alleles (0.27%); highest among the groups gnomAD compares: African/African-American, 4.9%; 101 homozygotes.

Submissions (7):

Labcorp Genetics (formerly Invitae), Labcorp
Classification: Benign for Hereditary sensory and autonomic neuropathy type 1. Last evaluated: 2026-02-01. Review status: criteria provided, single submitter. Criteria: Invitae Variant Classification Sherloc (09022015). Collection method: clinical testing. Allele origin: germline.

ARUP Laboratories, Molecular Genetics and Genomics, ARUP Laboratories
Classification: Benign. Last evaluated: 2025-07-17. Review status: criteria provided, single submitter. Criteria: ARUP Molecular Germline Variant Investigation Process 2024. Collection method: clinical testing. Allele origin: germline.

Athena Diagnostics
Classification: Benign. Last evaluated: 2018-09-25. Review status: criteria provided, single submitter. Criteria: Athena Diagnostics Criteria. Collection method: clinical testing. Allele origin: germline.

Mayo Clinic Laboratories, Mayo Clinic
Classification: Benign. Last evaluated: 2016-05-31. Review status: criteria provided, single submitter. Criteria: ACMG Guidelines, 2015. Collection method: clinical testing. Allele origin: germline. Observed: 11 variant alleles.

GeneDx
Classification: Benign. Last evaluated: 2015-05-15. Review status: criteria provided, single submitter. Criteria: GeneDx Variant Classification (06012015). Collection method: clinical testing. Allele origin: germline. Affected: yes.
Comment: This variant is considered likely benign or benign based on one or more of the following criteria: it is a conservative change, it occurs at a poorly conserved position in the protein, it is predicted to be benign by multiple in silico algorithms, and/or has population frequency not consistent with disease.

Breakthrough Genomics
Classification: Likely benign. Review status: criteria provided, single submitter. Criteria: ACMG Guidelines, 2015. Collection method: not provided. Allele origin: germline. Inheritance: Autosomal dominant inheritance. Affected: yes.

Molecular Genetics Laboratory, London Health Sciences Centre
Classification: Benign for Charcot-Marie-Tooth disease. Review status: criteria provided, single submitter. Criteria: ACMG Guidelines, 2015. Collection method: clinical testing. Allele origin: germline. Affected: yes.

NM_006415.4(SPTLC1):c.1255-7C>T

Gene: SPTLC1 (serine palmitoyltransferase long chain base subunit 1; minus strand). Cytogenetic location: 9q22.31.
Variant type: single nucleotide variant.
Coding change: c.1255-7C>T on transcript NM_006415.4 (MANE Select); 7 bases into the intron before coding-DNA position 1255, C replaced by T.
Molecular consequence: intron variant.
Genome position (GRCh38, 1-based): chr9:92,034,890, G>A on the plus strand (C>T on the coding strand, the complement: SPTLC1 is on the minus strand). VCF-style: chr9-92034890-G-A. GRCh37 (hg19) VCF-style: chr9-94797172-G-A.
Other names: p.?; c.1255-7C>T (LRG_272t1, NM_001281303.2); c.889-7C>T (NM_001368272.1); c.790-7C>T (NM_001368273.1).
Identifiers: ClinVar variation 367543 (VCV000367543.29), dbSNP rs7863487, ClinGen allele CA5121251.